The following is an entry in ClinVar:

ClinVar aggregate classification (germline): Pathogenic (1 of 4 stars; one submission).

Conditions:
Developmental and epileptic encephalopathy. Identifiers: MedGen C5779964, MONDO:0100620.

Submission:

Labcorp Genetics (formerly Invitae), Labcorp
Classification: Pathogenic for Early-infantile DEE. Last evaluated: 2021-07-17. Review status: criteria provided, single submitter. Criteria: Invitae Variant Classification Sherloc (09022015). Collection method: clinical testing. Allele origin: germline.
Comment: For these reasons, this variant has been classified as Pathogenic. A similar copy number variant has been observed in individual(s) with Dravet syndrome (PMID: 28012175). In at least one individual the variant was observed to be de novo. This variant is a gross deletion of the genomic region encompassing exon(s) 7 of the SCN1A gene. This deletion is out-of-frame, and is expected to create a premature translational stop signal and result in an absent or disrupted protein product. Loss-of-function variants in SCN1A are known to be pathogenic (PMID: 17347258, 18930999).

Literature cited by the submitters: PubMed 28012175; PubMed 17347258; PubMed 18930999.

NC_000002.11:g.(?_166905376)_(166905479_?)del

Gene: SCN1A (sodium voltage-gated channel alpha subunit 1; minus strand). Cytogenetic location: 2q24.3.
Variant type: Deletion.
Identifiers: ClinVar variation 1460153 (VCV001460153.5).